The following is an entry in ClinVar:

ClinVar aggregate classification (germline): Likely pathogenic (1 of 4 stars; one submission).

Conditions:
Familial dysautonomia. Also called: HSAN III; FD. Identifiers: Orphanet 1764, MedGen C0013364, MONDO:0009131, OMIM 223900. Disease mechanism: loss of function.

Submission:

Myriad Genetics, Inc.
Classification: Likely pathogenic for Familial dysautonomia. Last evaluated: 2021-12-16. Review status: criteria provided, single submitter. Criteria: Myriad Women's Health Autosomal Recessive and X-Linked Classification Criteria (2021). Collection method: clinical testing. Allele origin: unknown.
Comment: NM_003640.3(ELP1):c.2562delA(L855Cfs*18) is expected to be pathogenic in the context of familial dysautonomia. This variant is predicted to lead to an abnormal or absent protein product due to the creation of a premature termination codon in ELP1, a gene where loss-of-function variants are known to be pathogenic. Please note: this variant was assessed in the context of healthy population screening.

NM_003640.5(ELP1):c.2562del (p.Leu855fs)

Gene: ELP1 (elongator acetyltransferase complex subunit 1; minus strand). Cytogenetic location: 9q31.3.
Variant type: Deletion.
Coding change: c.2562del on transcript NM_003640.5 (MANE Select); coding-DNA position 2562, one base deleted (A; older notation c.2562delA).
Protein change: p.Leu855fs; shifts the reading frame from leucine 855.
Molecular consequence: frameshift variant.
Genome position (GRCh38, 1-based): chr9:108,896,978, T deleted on the plus strand (A on the coding strand, the reverse complement: ELP1 is on the minus strand). VCF-style (leftmost placement, unchanged base first): chr9-108896977-GT-G. GRCh37 (hg19) VCF-style: chr9-111659257-GT-G.
Other names: c.2220del, p.Leu741fs (NM_001318360.2); c.1515del, p.Leu506fs (NM_001330749.2); short protein forms L506fs, L741fs, L855fs.
Identifiers: ClinVar variation 1726312 (VCV001726312.2), dbSNP rs2537890382, ClinGen allele CA2580079381.
Genomic context (GRCh38, chr9:108,896,977, plus strand): 5'-CCACCTTAAGCACTTTCTCTGTGAGCGGATCTCTACCTTGAAGCTCGTGTACTTTTTGCA[GT>G]ACAATTTCCAGTTCTGGGGTTGTCTTCTTTACATGAGATGTAAGTATGGATAGGCAGTAT-3'